The following is an entry in ClinVar:

ClinVar aggregate classification (germline): Conflicting classifications of pathogenicity. Review status: criteria provided, conflicting classifications (1 of 4 stars). 2 submissions from 2 submitters: Uncertain significance (1); Likely benign (1). Last evaluated 2024-12-18.

Conditions:
Rhabdoid tumor predisposition syndrome 2 (RTPS2). Identifiers: Orphanet 231108, Orphanet 69077, MedGen C2750074, MONDO:0013224, OMIM 613325.
Hereditary cancer-predisposing syndrome. Also called: Neoplastic Syndromes, Hereditary; Tumor predisposition; Hereditary Cancer Syndrome; Hereditary neoplastic syndrome. Identifiers: Orphanet 140162, MedGen C0027672, MeSH D009386, MONDO:0015356.

gnomAD v4.1: 3 of 1,612,268 alleles (0.00019%); highest among the groups gnomAD compares: African/African-American, 0.0013%; no homozygotes.

Submissions (2):

Ambry Genetics
Classification: Likely benign for Hereditary cancer-predisposing syndrome. Last evaluated: 2024-12-18. Review status: criteria provided, single submitter. Criteria: Ambry Variant Classification Scheme 2023. Collection method: clinical testing. Allele origin: germline.

Labcorp Genetics (formerly Invitae), Labcorp
Classification: Uncertain significance for Rhabdoid tumor predisposition syndrome 2. Last evaluated: 2024-07-11. Review status: criteria provided, single submitter. Criteria: Invitae Variant Classification Sherloc (09022015). Collection method: clinical testing. Allele origin: germline.
Comment: This sequence change replaces methionine, which is neutral and non-polar, with valine, which is neutral and non-polar, at codon 260 of the SMARCA4 protein (p.Met260Val). This variant is not present in population databases (gnomAD no frequency). This variant has not been reported in the literature in individuals affected with SMARCA4-related conditions. ClinVar contains an entry for this variant (Variation ID: 484978). Advanced modeling of protein sequence and biophysical properties (such as structural, functional, and spatial information, amino acid conservation, physicochemical variation, residue mobility, and thermodynamic stability) performed at Invitae indicates that this missense variant is not expected to disrupt SMARCA4 protein function with a negative predictive value of 95%. In summary, the available evidence is currently insufficient to determine the role of this variant in disease. Therefore, it has been classified as a Variant of Uncertain Significance.

NM_003072.5(SMARCA4):c.778A>G (p.Met260Val)

Gene: SMARCA4 (SWI/SNF related BAF chromatin remodeling complex subunit ATPase 4; plus strand). Cytogenetic location: 19p13.2.
Variant type: single nucleotide variant.
Coding change: c.778A>G on transcript NM_003072.5 (MANE Select); coding-DNA position 778, A replaced by G.
Protein change: p.Met260Val; replaces methionine 260 with valine.
Molecular consequence: missense variant. On other transcripts: non-coding transcript variant (1).
Genome position (GRCh38, 1-based): chr19:10,986,922, A>G. VCF-style: chr19-10986922-A-G. GRCh37 (hg19) VCF-style: chr19-11097598-A-G.
Other names: c.778A>G, p.Met260Val (NM_001128844.3, NM_001128845.2, NM_001128846.2 and 5 more transcripts); short protein forms M260V.
Identifiers: ClinVar variation 484978 (VCV000484978.12), dbSNP rs1064795842, ClinGen allele CA404057876.